The following is an entry in ClinVar:

ClinVar aggregate classification (germline): Likely benign. Review status: criteria provided, single submitter (1 of 4 stars). 2 submissions from 2 submitters: Likely benign (1). 1 of the submissions does not count toward it. Last evaluated 2020-03-19.

Conditions:
HPS1-related disorder. Also called: HPS1-related condition.

gnomAD v4.1: 2 of 1,612,926 alleles (0.00012%); highest among the groups gnomAD compares: Non-Finnish European, 0.00017%; no homozygotes.

Submissions (2):

Labcorp Genetics (formerly Invitae), Labcorp
Classification: Likely benign. Last evaluated: 2020-03-19. Review status: criteria provided, single submitter. Criteria: Invitae Variant Classification Sherloc (09022015). Collection method: clinical testing. Allele origin: germline.

PreventionGenetics, part of Exact Sciences
Classification: Likely benign for HPS1-related condition. Last evaluated: 2021-02-23. Review status: no assertion criteria provided. Collection method: clinical testing. Allele origin: germline. Not counted in ClinVar's aggregate classification.
Comment: This variant is classified as likely benign based on ACMG/AMP sequence variant interpretation guidelines (Richards et al. 2015 PMID: 25741868, with internal and published modifications).

NM_000195.5(HPS1):c.2052C>A (p.Ala684=)

Gene: HPS1 (HPS1 biogenesis of lysosomal organelles complex 3 subunit 1; minus strand). Cytogenetic location: 10q24.2.
Variant type: single nucleotide variant.
Coding change: c.2052C>A on transcript NM_000195.5 (MANE Select); coding-DNA position 2052, C replaced by A.
Protein change: p.Ala684=; no amino-acid change (alanine 684 retained).
Molecular consequence: synonymous variant.
Genome position (GRCh38, 1-based): chr10:98,417,615, G>T on the plus strand (C>A on the coding strand, the complement: HPS1 is on the minus strand). VCF-style: chr10-98417615-G-T. GRCh37 (hg19) VCF-style: chr10-100177372-G-T.
Other names: c.1080C>A, p.Ala360= (NM_001311345.2, NM_001322487.2, NM_001322489.2); c.2052C>A, p.Ala684= (NM_001322476.2, NM_001322477.2); c.1953C>A, p.Ala651= (NM_001322478.2, NM_001322479.2); c.1791C>A, p.Ala597= (NM_001322480.2, NM_001322481.2); c.1692C>A, p.Ala564= (NM_001322482.2); c.1683C>A, p.Ala561= (NM_001322483.2, NM_001322484.2); c.1584C>A, p.Ala528= (NM_001322485.2); c.2052C>A (NM_000195.4).
Identifiers: ClinVar variation 1153811 (VCV001153811.11), dbSNP rs576260502, ClinGen allele CA471109634.